The following is an entry in ClinVar:

ClinVar aggregate classification (germline): Uncertain significance (1 of 4 stars; one submission).

Conditions:
Werner syndrome (WRN). Identifiers: Orphanet 902, MedGen C0043119, MONDO:0010196, OMIM 277700.

Submission:

Labcorp Genetics (formerly Invitae), Labcorp
Classification: Uncertain significance for Werner syndrome. Last evaluated: 2022-02-05. Review status: criteria provided, single submitter. Criteria: Invitae Variant Classification Sherloc (09022015). Collection method: clinical testing. Allele origin: germline.
Comment: This sequence change replaces histidine, which is basic and polar, with leucine, which is neutral and non-polar, at codon 270 of the WRN protein (p.His270Leu). This variant is not present in population databases (gnomAD no frequency). In summary, the available evidence is currently insufficient to determine the role of this variant in disease. Therefore, it has been classified as a Variant of Uncertain Significance. Algorithms developed to predict the effect of missense changes on protein structure and function are either unavailable or do not agree on the potential impact of this missense change (SIFT: "Not Available"; PolyPhen-2: "Benign"; Align-GVGD: "Not Available"). This variant has not been reported in the literature in individuals affected with WRN-related conditions.

NM_000553.6(WRN):c.809A>T (p.His270Leu)

Gene: WRN (WRN RecQ like helicase; plus strand). Cytogenetic location: 8p12.
Variant type: single nucleotide variant.
Coding change: c.809A>T on transcript NM_000553.6 (MANE Select); coding-DNA position 809, A replaced by T.
Protein change: p.His270Leu; replaces histidine 270 with leucine.
Molecular consequence: missense variant.
Genome position (GRCh38, 1-based): chr8:31,076,257, A>T. VCF-style: chr8-31076257-A-T. GRCh37 (hg19) VCF-style: chr8-30933773-A-T.
Other names: short protein forms H270L.
Identifiers: ClinVar variation 1435323 (VCV001435323.8), dbSNP rs777770937, ClinGen allele CA370918618.